The following is an entry in ClinVar:

ClinVar aggregate classification (germline): Pathogenic (1 of 4 stars; one submission).

Submission:

Labcorp Genetics (formerly Invitae), Labcorp
Classification: Pathogenic. Last evaluated: 2023-07-25. Review status: criteria provided, single submitter. Criteria: Invitae Variant Classification Sherloc (09022015). Collection method: clinical testing. Allele origin: germline.
Comment: For these reasons, this variant has been classified as Pathogenic. This variant has not been reported in the literature in individuals affected with ZNF469-related conditions. This variant is not present in population databases (gnomAD no frequency). This sequence change creates a premature translational stop signal (p.Ala174Profs*172) in the ZNF469 gene. It is expected to result in an absent or disrupted protein product. Loss-of-function variants in ZNF469 are known to be pathogenic (PMID: 23642083, 23680354).

Literature cited by the submitters: PubMed 23642083; PubMed 23680354.

NM_001367624.2(ZNF469):c.519del (p.Ala174fs)

Gene: ZNF469 (zinc finger protein 469; plus strand). Cytogenetic location: 16q24.2.
Variant type: Deletion.
Coding change: c.519del on transcript NM_001367624.2 (MANE Select); coding-DNA position 519, one base deleted (C; older notation c.519delC).
Protein change: p.Ala174fs; shifts the reading frame from alanine 174.
Molecular consequence: frameshift variant.
Genome position (GRCh38, 1-based): chr16:88,427,989, C deleted; the last of 3 consecutive C bases (chr16:88,427,987-88,427,989); deleting any one gives the same sequence. VCF-style (leftmost placement, unchanged base first): chr16-88427986-AC-A. GRCh37 (hg19) VCF-style: chr16-88494394-AC-A.
Other names: short protein forms A174fs.
Identifiers: ClinVar variation 2746412 (VCV002746412.3), dbSNP rs2507571459, ClinGen allele CA2697556089.
Genomic context (GRCh38, chr16:88,427,986, plus strand): 5'-CCCCCAGGGCCCTGGGACTGGAGCTCCACTCAGGCCGGGCCTCCCAAGGACTGAGGCCCA[AC>A]CCGCCGCCGAAGAGCTTGGCTTCCACAGGTGCTTCCAGGAGCCACCCTCCAGCTTTACCT-3'